The following is an entry in ClinVar:

NM_001346249.2(RALGAPA1):c.5126G>T (p.Gly1709Val)

Gene: RALGAPA1 (Ral GTPase activating protein catalytic subunit alpha 1; minus strand). Cytogenetic location: 14q13.2.
Variant type: single nucleotide variant.
Coding change: c.5126G>T on transcript NM_001346249.2 (MANE Select); coding-DNA position 5126, G replaced by T.
Protein change: p.Gly1709Val; replaces glycine 1709 with valine.
Molecular consequence: missense variant.
Genome position (GRCh38, 1-based): chr14:35,671,465, C>A on the plus strand (G>T on the coding strand, the complement: RALGAPA1 is on the minus strand). VCF-style: chr14-35671465-C-A. GRCh37 (hg19) VCF-style: chr14-36140671-C-A.
Other names: c.3647G>T, p.Gly1216Val (NM_001283043.3); c.3749G>T, p.Gly1250Val (NM_001283044.3, NM_001346245.2, NM_001346247.2); c.4985G>T, p.Gly1662Val (NM_001330075.3, NM_001346248.2); c.3608G>T, p.Gly1203Val (NM_001346243.2, NM_001346246.2, NM_014990.3 and 1 more transcripts); short protein forms G1203V, G1216V, G1250V, G1662V, G1709V.
Identifiers: ClinVar variation 3368395 (VCV003368395.1).

ClinVar aggregate classification (germline): Uncertain significance (1 of 4 stars; one submission).

Submission:

GeneDx
Classification: Uncertain significance. Last evaluated: 2024-01-29. Review status: criteria provided, single submitter. Criteria: GeneDx Variant Classification Process June 2021. Collection method: clinical testing. Allele origin: germline. Affected: yes.
Comment: Not observed at significant frequency in large population cohorts (gnomAD); In silico analysis supports that this missense variant has a deleterious effect on protein structure/function; Has not been previously published as pathogenic or benign to our knowledge